The following is an entry in ClinVar:

NM_006767.4(LZTR1):c.1587C>G (p.Tyr529Ter)

Gene: LZTR1 (leucine zipper like post translational regulator 1; plus strand). Cytogenetic location: 22q11.21.
Variant type: single nucleotide variant.
Coding change: c.1587C>G on transcript NM_006767.4 (MANE Select); coding-DNA position 1587, C replaced by G.
Protein change: p.Tyr529Ter; replaces tyrosine 529 with a stop codon.
Molecular consequence: nonsense.
Genome position (GRCh38, 1-based): chr22:20,994,241, C>G. VCF-style: chr22-20994241-C-G. GRCh37 (hg19) VCF-style: chr22-21348530-C-G.
Other names: short protein forms Y529*.
Identifiers: ClinVar variation 2758484 (VCV002758484.3), dbSNP rs371015800, ClinGen allele CA410776151.

ClinVar aggregate classification (germline): Pathogenic (1 of 4 stars; one submission).

gnomAD v4.1: 1 of 1,599,494 alleles (0.000063%); highest among the groups gnomAD compares: Non-Finnish European, 0.000085%; no homozygotes.

Submission:

Labcorp Genetics (formerly Invitae), Labcorp
Classification: Pathogenic. Last evaluated: 2025-09-18. Review status: criteria provided, single submitter. Criteria: Invitae Variant Classification Sherloc (09022015). Collection method: clinical testing. Allele origin: germline.
Comment: This sequence change creates a premature translational stop signal (p.Tyr529*) in the LZTR1 gene. It is expected to result in an absent or disrupted protein product. Loss-of-function variants in LZTR1 are known to be pathogenic (PMID: 24362817, 25335493, 25480913, 25795793, 29469822, 30368668, 30442762, 30442766, 30481304, 30859559). This variant is not present in population databases (gnomAD no frequency). This variant has not been reported in the literature in individuals affected with LZTR1-related conditions. ClinVar contains an entry for this variant (Variation ID: 2758484). For these reasons, this variant has been classified as Pathogenic.

Literature cited by the submitters: PubMed 24362817; PubMed 25335493; PubMed 25480913; PubMed 25795793; PubMed 29469822; PubMed 30368668; PubMed 30442762; PubMed 30442766; PubMed 30481304; PubMed 30859559.